The following is an entry in ClinVar:

ClinVar aggregate classification (germline): Uncertain significance (1 of 4 stars; one submission).

Conditions:
Cardiovascular phenotype. Identifiers: MedGen CN230736.

gnomAD v4.1: 1 of 1,614,030 alleles (0.000062%); highest among the groups gnomAD compares: Non-Finnish European, 0.000085%; no homozygotes.

Submission:

Ambry Genetics
Classification: Uncertain significance for Cardiovascular phenotype. Last evaluated: 2024-01-03. Review status: criteria provided, single submitter. Criteria: Ambry Variant Classification Scheme 2023. Collection method: clinical testing. Allele origin: germline.
Comment: The p.N2542K variant (also known as c.7626C>G), located in coding exon 31 of the AKAP9 gene, results from a C to G substitution at nucleotide position 7626. The asparagine at codon 2542 is replaced by lysine, an amino acid with similar properties. This amino acid position is conserved. In addition, this alteration is predicted to be tolerated by in silico analysis. Since supporting evidence is limited at this time, the clinical significance of this alteration remains unclear.

NM_005751.5(AKAP9):c.7626C>G (p.Asn2542Lys)

Gene: AKAP9 (A-kinase anchoring protein 9; plus strand). Cytogenetic location: 7q21.2.
Variant type: single nucleotide variant.
Coding change: c.7626C>G on transcript NM_005751.5 (MANE Select); coding-DNA position 7626, C replaced by G.
Protein change: p.Asn2542Lys; replaces asparagine 2542 with lysine.
Molecular consequence: missense variant.
Genome position (GRCh38, 1-based): chr7:92,079,759, C>G. VCF-style: chr7-92079759-C-G. GRCh37 (hg19) VCF-style: chr7-91709073-C-G.
Other names: c.2271C>G, p.Asn757Lys (NM_001379277.1); c.7602C>G, p.Asn2534Lys (NM_147185.3); short protein forms N2534K, N2542K, N757K.
Identifiers: ClinVar variation 3225094 (VCV003225094.1), dbSNP rs2535246549, ClinGen allele CA368136163.